The following is an entry in ClinVar:

NM_001042492.3(NF1):c.204+3G>C

Gene: NF1 (neurofibromin 1; plus strand). Cytogenetic location: 17q11.2.
Variant type: single nucleotide variant.
Coding change: c.204+3G>C on transcript NM_001042492.3 (MANE Select); 3 bases into the intron after coding-DNA position 204, G replaced by C.
Molecular consequence: intron variant.
Genome position (GRCh38, 1-based): chr17:31,156,129, G>C. VCF-style: chr17-31156129-G-C. GRCh37 (hg19) VCF-style: chr17-29483147-G-C.
Other names: c.204+3G>C (NM_000267.4, NM_001128147.3).
Identifiers: ClinVar variation 2793397 (VCV002793397.3), dbSNP rs2143627753, ClinGen allele CA2733522877.
Genomic context (GRCh38, chr17:31,156,129, plus strand): 5'-CAAGTTTTCTTTGGTTATAAGCGGCCTCACTACTATTTTAAAGAATGTTAACAATATGGT[G>C]AGTATTTGGGTTACTGTGTTTTGGGGAATTTGCTTTCTTTTCTTTTTGATTAAAAAGTTT-3'

ClinVar aggregate classification (germline): Uncertain significance (1 of 4 stars; one submission).

Conditions:
Neurofibromatosis, type 1 (NF1). Also called: VON RECKLINGHAUSEN DISEASE; Neurofibromatosis, type I; NEUROFIBROMATOSIS, TYPE I, SOMATIC; Peripheral type neurofibromatosis. Identifiers: Orphanet 636, MedGen C0027831, MONDO:0018975, OMIM 162200. Disease mechanism: loss of function.

Submission:

Labcorp Genetics (formerly Invitae), Labcorp
Classification: Uncertain significance for Neurofibromatosis, type 1. Last evaluated: 2023-12-23. Review status: criteria provided, single submitter. Criteria: Invitae Variant Classification Sherloc (09022015). Collection method: clinical testing. Allele origin: germline.
Comment: This sequence change falls in intron 2 of the NF1 gene. It does not directly change the encoded amino acid sequence of the NF1 protein. It affects a nucleotide within the consensus splice site. This variant is not present in population databases (gnomAD no frequency). This variant has not been reported in the literature in individuals affected with NF1-related conditions. Variants that disrupt the consensus splice site are a relatively common cause of aberrant splicing (PMID: 17576681, 9536098). Algorithms developed to predict the effect of sequence changes on RNA splicing suggest that this variant may create or strengthen a splice site. In summary, the available evidence is currently insufficient to determine the role of this variant in disease. Therefore, it has been classified as a Variant of Uncertain Significance.

Literature cited by the submitters: PubMed 17576681; PubMed 9536098.